The following is an entry in ClinVar:

ClinVar aggregate classification (germline): Pathogenic (1 of 4 stars; one submission).

Submission:

Labcorp Genetics (formerly Invitae), Labcorp
Classification: Pathogenic. Last evaluated: 2025-05-22. Review status: criteria provided, single submitter. Criteria: Invitae Variant Classification Sherloc (09022015). Collection method: clinical testing. Allele origin: germline.
Comment: This sequence change creates a premature translational stop signal (p.Tyr2074*) in the DMXL2 gene. It is expected to result in an absent or disrupted protein product. Loss-of-function variants in DMXL2 are known to be pathogenic (PMID: 30237576, 31688942). This variant is not present in population databases (gnomAD no frequency). This variant has not been reported in the literature in individuals affected with DMXL2-related conditions. For these reasons, this variant has been classified as Pathogenic.

Literature cited by the submitters: PubMed 30237576; PubMed 31688942.

NM_001378457.1(DMXL2):c.6222_6223del (p.Tyr2074_Asn2075delinsTer)

Gene: DMXL2 (Dmx like 2; minus strand). Cytogenetic location: 15q21.2.
Variant type: Microsatellite.
Coding change: c.6222_6223del on transcript NM_001378457.1 (MANE Select); coding-DNA positions 6222 to 6223, 2 bases deleted (TA; older notation c.6222_6223delTA).
Protein change: p.Tyr2074_Asn2075delinsTer.
Molecular consequence: nonsense. On other transcripts: non-coding transcript variant (2).
Genome position (GRCh38, 1-based): chr15:51,480,883-51,480,884, TA deleted on the plus strand (TA on the coding strand, the reverse complement: DMXL2 is on the minus strand); deleting any 2 consecutive bases within chr15:51,480,883-51,480,886 gives the same sequence; the c. name uses the placement nearest the transcript's 3' end. VCF-style (leftmost placement, unchanged base first): chr15-51480882-TTA-T. GRCh37 (hg19) VCF-style: chr15-51773079-TTA-T.
Other names: c.6222_6223del, p.Tyr2074_Asn2075delinsTer (NM_001174116.3, NM_001378458.1, NM_001378459.1 and 4 more transcripts); c.4314_4315del, p.Tyr1438_Asn1439delinsTer (NM_001174117.3); c.4203_4204del, p.Tyr1401_Asn1402delinsTer (NM_001378460.1); c.5982_5983del, p.Tyr1994_Asn1995delinsTer (NM_001378464.1).
Identifiers: ClinVar variation 4719318 (VCV004719318.1).